The following is an entry in ClinVar:

ClinVar aggregate classification (germline): Uncertain significance (1 of 4 stars; one submission).

Conditions:
Finnish congenital nephrotic syndrome (NPHS1). Also called: NEPHROTIC SYNDROME, TYPE 1. Identifiers: Orphanet 839, MedGen C0403399, MONDO:0009732, OMIM 256300.

Submission:

3billion
Classification: Uncertain significance for Finnish congenital nephrotic syndrome. Last evaluated: 2022-01-03. Review status: criteria provided, single submitter. Criteria: ACMG Guidelines, 2015. Collection method: clinical testing. Allele origin: germline. Affected: yes. Observed: 1 homozygote.
Comment: The variant is not observed in the gnomAD v2.1.1 dataset (PM2_M). In silico tool predictions suggest damaging effect of the variant on gene or gene product (REVEL: 0.867, 3CNET: 0.994, PP3_P). Therefore, this variant is classified as uncertain significance according to the recommendation of ACMG/AMP guideline.

NM_004646.4(NPHS1):c.2402T>A (p.Leu801Gln)

Gene: NPHS1 (NPHS1 adhesion molecule, nephrin; minus strand). Cytogenetic location: 19q13.12.
Variant type: single nucleotide variant.
Coding change: c.2402T>A on transcript NM_004646.4 (MANE Select); coding-DNA position 2402, T replaced by A.
Protein change: p.Leu801Gln; replaces leucine 801 with glutamine.
Molecular consequence: missense variant.
Genome position (GRCh38, 1-based): chr19:35,842,483, A>T on the plus strand (T>A on the coding strand, the complement: NPHS1 is on the minus strand). VCF-style: chr19-35842483-A-T. GRCh37 (hg19) VCF-style: chr19-36333385-A-T.
Other names: short protein forms L801Q.
Identifiers: ClinVar variation 1333595 (VCV001333595.1), dbSNP rs2146819820, ClinGen allele CA405393536.
Genomic context (GRCh38, chr19:35,842,483, plus strand): 5'-CCATTGTCCACAATGCACTGGTAAGCGCCAGCCTGGGCCAGTTTGGCATGGTGAATCCGC[A>T]GGCGCCCCGTTGGTCCCCTGGATATCTTCTCCATGTCATCCAGGCTCTGGTCCTCCTCAT-3'
Protein context (NP_004637.1, residues 791-811): EKISRGPTGR[Leu801Gln]RIHHAKLAQA